The following is an entry in ClinVar:

ClinVar aggregate classification (germline): Uncertain significance. Review status: criteria provided, multiple submitters, no conflicts (2 of 4 stars). 3 submissions from 3 submitters: Uncertain significance (3). Last evaluated 2026-07-23.

Conditions:
Generalized epilepsy with febrile seizures plus, type 7 (GEFSP7). Also called: GEFS+, TYPE 7. Identifiers: Orphanet 36387, MedGen C2751778, MONDO:0013470, OMIM 613863.
Neuropathy, hereditary sensory and autonomic, type 2A (HSAN2A). Also called: MORVAN DISEASE; NEUROPATHY, CONGENITAL SENSORY; NEUROPATHY, HEREDITARY SENSORY RADICULAR, AUTOSOMAL RECESSIVE; NEUROPATHY, HEREDITARY SENSORY, TYPE IIA; NEUROPATHY, PROGRESSIVE SENSORY, OF CHILDREN; WNK1-Related HSAN2 (HSAN2A). Identifiers: Orphanet 970, MedGen C2752089, MONDO:0024309, OMIM 201300.
Inborn genetic diseases. Identifiers: MedGen C0950123, MeSH D030342.

gnomAD v4.1: 5 of 1,586,128 alleles (0.00032%); highest among the groups gnomAD compares: Non-Finnish European, 0.00034%; no homozygotes.

Submissions (3):

Ambry Genetics
Classification: Uncertain significance for Inborn genetic diseases. Last evaluated: 2026-07-23. Review status: criteria provided, single submitter. Criteria: Ambry Variant Classification Scheme 2023. Collection method: clinical testing. Allele origin: germline.

Labcorp Genetics (formerly Invitae), Labcorp
Classification: Uncertain significance for Neuropathy, hereditary sensory and autonomic, type 2A; Generalized epilepsy with febrile seizures plus, type 7. Last evaluated: 2025-01-11. Review status: criteria provided, single submitter. Criteria: Invitae Variant Classification Sherloc (09022015). Collection method: clinical testing. Allele origin: germline.
Comment: This sequence change replaces proline, which is neutral and non-polar, with leucine, which is neutral and non-polar, at codon 701 of the SCN9A protein (p.Pro701Leu). This variant is present in population databases (no rsID available, gnomAD 0.001%). This variant has not been reported in the literature in individuals affected with SCN9A-related conditions. ClinVar contains an entry for this variant (Variation ID: 376819). Invitae Evidence Modeling of protein sequence and biophysical properties (such as structural, functional, and spatial information, amino acid conservation, physicochemical variation, residue mobility, and thermodynamic stability) indicates that this missense variant is not expected to disrupt SCN9A protein function with a negative predictive value of 95%. In summary, the available evidence is currently insufficient to determine the role of this variant in disease. Therefore, it has been classified as a Variant of Uncertain Significance.

Center for Pediatric Genomic Medicine, Children's Mercy Hospital and Clinics
Classification: Uncertain significance. Last evaluated: 2017-02-09. Review status: criteria provided, single submitter. Criteria: ACMG Guidelines, 2015. Collection method: clinical testing. Allele origin: germline.
ClinVar note: Converted during submission from Uncertain Significance to Uncertain significance.

NM_001365536.1(SCN9A):c.2135C>T (p.Pro712Leu)

Genes: SCN1A-AS1 (SCN1A and SCN9A antisense RNA 1; plus strand), SCN9A (sodium voltage-gated channel alpha subunit 9; minus strand). Cytogenetic location: 2q24.3.
Variant type: single nucleotide variant.
Coding change: c.2135C>T on transcript NM_001365536.1 (MANE Select); coding-DNA position 2135, C replaced by T.
Protein change: p.Pro712Leu; replaces proline 712 with leucine.
Molecular consequence: missense variant.
Genome position (GRCh38, 1-based): chr2:166,280,565, G>A on the plus strand (C>T on the coding strand, the complement: SCN9A is on the minus strand). VCF-style: chr2-166280565-G-A. GRCh37 (hg19) VCF-style: chr2-167137075-G-A.
Other names: c.2102C>T, p.Pro701Leu (NM_002977.4); short protein forms P701L, P712L.
Identifiers: ClinVar variation 376819 (VCV000376819.15), dbSNP rs867106113, ClinGen allele CA16603177.